The following is an entry in ClinVar:

ClinVar aggregate classification (germline): Likely benign (1 of 4 stars; one submission).

Allele frequency attached by ClinVar (database versions not stated): TOPMed 0.00918; 1000 Genomes Project 0.01178; 1000 Genomes Project 30x 0.01218.
gnomAD v4.1: 1,683 of 857,054 alleles (0.2%); highest among the groups gnomAD compares: African/African-American, 2.6%; 25 homozygotes.

Submission:

GeneDx
Classification: Likely benign. Last evaluated: 2019-05-28. Review status: criteria provided, single submitter. Criteria: GeneDx Variant Classification Process June 2021. Collection method: clinical testing. Allele origin: germline. Affected: yes.
Comment: See Variant Classification Assertion Criteria.

NM_018139.3(DNAAF2):c.2008-109G>A

Gene: DNAAF2 (dynein axonemal assembly factor 2; minus strand). Cytogenetic location: 14q21.3.
Variant type: single nucleotide variant.
Coding change: c.2008-109G>A on transcript NM_018139.3 (MANE Select); 109 bases into the intron before coding-DNA position 2008, G replaced by A.
Molecular consequence: intron variant.
Genome position (GRCh38, 1-based): chr14:49,626,157, C>T on the plus strand (G>A on the coding strand, the complement: DNAAF2 is on the minus strand). VCF-style: chr14-49626157-C-T. GRCh37 (hg19) VCF-style: chr14-50092875-C-T.
Other names: c.1864-109G>A (NM_001083908.2); c.-204-109G>A (NM_001378453.1).
Identifiers: ClinVar variation 1707364 (VCV001707364.2), dbSNP rs145723381, ClinGen allele CA260662344.